The following is an entry in ClinVar:

ClinVar aggregate classification (germline): Likely pathogenic. Review status: criteria provided, multiple submitters, no conflicts (2 of 4 stars). 3 submissions from 3 submitters: Likely pathogenic (3). Last evaluated 2019-05-28.

Conditions:
Immunodeficiency 31B. Also called: IMMUNODEFICIENCY 31B, MYCOBACTERIAL AND VIRAL INFECTIONS, AUTOSOMAL RECESSIVE; STAT1 DEFICIENCY, AUTOSOMAL RECESSIVE. Identifiers: Orphanet 391311, MedGen C3151088, MONDO:0013427, OMIM 613796.
Mendelian susceptibility to mycobacterial diseases due to partial STAT1 deficiency. Also called: Immunodeficiency 31a; IMMUNODEFICIENCY 31A, MYCOBACTERIOSIS, AUTOSOMAL DOMINANT; STAT1 DEFICIENCY, AUTOSOMAL DOMINANT. Identifiers: Orphanet 319595, MedGen C4013950, MONDO:0013956, OMIM 614892.
Autoimmune enteropathy and endocrinopathy - susceptibility to chronic infections syndrome. Also called: Immunodeficiency 31C; Immunodeficiency 31C, autosomal dominant. Identifiers: Orphanet 391487, MedGen C3279990, MONDO:0013599, OMIM 614162.

Submissions (3):

Mendelics
Classification: Likely pathogenic for Immunodeficiency 31B. Last evaluated: 2019-05-28. Review status: criteria provided, single submitter. Criteria: Mendelics Assertion Criteria 2017. Collection method: clinical testing. Allele origin: unknown.

Labcorp Genetics (formerly Invitae), Labcorp
Classification: Likely pathogenic for Immunodeficiency 31a; Mycobacterial and viral infections, susceptibility to, autosomal recessive; Immunodeficiency 31C. Last evaluated: 2018-10-19. Review status: criteria provided, single submitter. Criteria: Invitae Variant Classification Sherloc (09022015). Collection method: clinical testing. Allele origin: germline.
Comment: This sequence change replaces aspartic acid with glutamic acid at codon 292 of the STAT1 protein (p.Asp292Glu). The aspartic acid residue is highly conserved and there is a small physicochemical difference between aspartic acid and glutamic acid. This variant is not present in population databases (ExAC no frequency). This variant has been observed in an individual affected with chronic mucocutaneous candidiasis (PMID: 27114460). ClinVar contains an entry for this variant (Variation ID: 426484). Experimental studies have reported that this missense acts as a gain-of-function variant, however, the data was not shown (PMID: 27114460). This variant disrupts the p.Asp292 amino acid residue in STAT1. Other variant(s) that disrupt this residue have been observed in affected individuals (PMID: 27114460), suggesting that it is a clinically significant residue. As a result, variants that disrupt this residue are likely to be causative of disease. In summary, the currently available evidence indicates that the variant is pathogenic, but additional data are needed to prove that conclusively. Therefore, this variant has been classified as Likely Pathogenic.

GeneDx
Classification: Likely pathogenic. Last evaluated: 2017-04-14. Review status: criteria provided, single submitter. Criteria: GeneDx Variant Classification (06012015). Collection method: clinical testing. Allele origin: germline. Affected: yes.
Comment: The D292E variant was reported by the authors to be a gain of function variant, but the data was not shown. The D292E variant is not observed in large population cohorts (Lek et al., 2016; 1000 Genomes Consortium et al., 2015; Exome Variant Server). The D292E variant is a conservative amino acid substitution, which is not likely to impact secondary protein structure as these residues share similar properties. This substitution occurs at a position that is conserved across species. In silico analysis predicts this variant is probably damaging to the protein structure/function. We interpret D292E as a likely pathogenic variant.

Literature cited by the submitters: PubMed 27114460 (cited by Labcorp Genetics (formerly Invitae), Labcorp).

NM_007315.4(STAT1):c.876C>A (p.Asp292Glu)

Gene: STAT1 (signal transducer and activator of transcription 1; minus strand). Cytogenetic location: 2q32.2.
Variant type: single nucleotide variant.
Coding change: c.876C>A on transcript NM_007315.4 (MANE Select); coding-DNA position 876, C replaced by A.
Protein change: p.Asp292Glu; replaces aspartic acid 292 with glutamic acid.
Molecular consequence: missense variant. On other transcripts: intron variant (1).
Genome position (GRCh38, 1-based): chr2:190,995,129, G>T on the plus strand (C>A on the coding strand, the complement: STAT1 is on the minus strand). VCF-style: chr2-190995129-G-T. GRCh37 (hg19) VCF-style: chr2-191859855-G-T.
Other names: c.876C>A, p.Asp292Glu (NM_001384880.1, NM_001384882.1, NM_001384886.1 and 4 more transcripts); c.882C>A, p.Asp294Glu (NM_001384881.1, NM_001384884.1); c.777C>A, p.Asp259Glu (NM_001384883.1); c.786C>A, p.Asp262Glu (NM_001384890.1); c.912C>A, p.Asp304Glu (NM_001384891.1); c.785+2727C>A (NM_001384885.1); short protein forms D292E, D259E, D262E, D294E, D304E.
Identifiers: ClinVar variation 426484 (VCV000426484.4), dbSNP rs1085307649, ClinGen allele CA349921679.